The following is an entry in ClinVar:

NM_000455.5(STK11):c.1074T>A (p.Asp358Glu)

Genes: STK11 (serine/threonine kinase 11; plus strand), LOC130062899 (ATAC-STARR-seq lymphoblastoid active region 13597; plus strand). Cytogenetic location: 19p13.3.
Variant type: single nucleotide variant.
Coding change: c.1074T>A on transcript NM_000455.5 (MANE Select); coding-DNA position 1074, T replaced by A.
Protein change: p.Asp358Glu; replaces aspartic acid 358 with glutamic acid.
Molecular consequence: missense variant. On other transcripts: non-coding transcript variant (1).
Genome position (GRCh38, 1-based): chr19:1,223,138, T>A. VCF-style: chr19-1223138-T-A. GRCh37 (hg19) VCF-style: chr19-1223137-T-A.
Other names: c.1074T>A, p.Asp358Glu (NM_001407255.1); short protein forms D358E.
Identifiers: ClinVar variation 3647530 (VCV003647530.2).

ClinVar aggregate classification (germline): Uncertain significance (1 of 4 stars; one submission).

Conditions:
Peutz-Jeghers syndrome (PJS). Also called: POLYPOSIS, HAMARTOMATOUS INTESTINAL; POLYPS-AND-SPOTS SYNDROME; Peutz-Jeghers polyposis; Periorificial lentiginosis syndrome. Identifiers: Orphanet 2869, MedGen C0031269, MeSH D010580, MONDO:0008280, OMIM 175200.

gnomAD v4.1: 1 of 1,611,804 alleles (0.000062%); highest among the groups gnomAD compares: South Asian, 0.0011%; no homozygotes.

Submission:

Labcorp Genetics (formerly Invitae), Labcorp
Classification: Uncertain significance for Peutz-Jeghers syndrome. Last evaluated: 2024-03-25. Review status: criteria provided, single submitter. Criteria: Invitae Variant Classification Sherloc (09022015). Collection method: clinical testing. Allele origin: germline.
Comment: This sequence change replaces aspartic acid, which is acidic and polar, with glutamic acid, which is acidic and polar, at codon 358 of the STK11 protein (p.Asp358Glu). This variant is not present in population databases (gnomAD no frequency). This variant has not been reported in the literature in individuals affected with STK11-related conditions. Advanced modeling of protein sequence and biophysical properties (such as structural, functional, and spatial information, amino acid conservation, physicochemical variation, residue mobility, and thermodynamic stability) performed at Invitae indicates that this missense variant is not expected to disrupt STK11 protein function with a negative predictive value of 95%. In summary, the available evidence is currently insufficient to determine the role of this variant in disease. Therefore, it has been classified as a Variant of Uncertain Significance.